The following is an entry in ClinVar:

ClinVar aggregate classification (germline): Uncertain significance. Review status: criteria provided, multiple submitters, no conflicts (2 of 4 stars). 2 submissions from 2 submitters: Uncertain significance (2). Last evaluated 2023-10-05.

Conditions:
Hereditary cancer-predisposing syndrome. Also called: Neoplastic Syndromes, Hereditary; Hereditary Cancer Syndrome; Tumor predisposition; Hereditary neoplastic syndrome. Identifiers: Orphanet 140162, MedGen C0027672, MeSH D009386, MONDO:0015356.

Submissions (2):

Labcorp Genetics (formerly Invitae), Labcorp
Classification: Uncertain significance. Last evaluated: 2023-10-05. Review status: criteria provided, single submitter. Criteria: Invitae Variant Classification Sherloc (09022015). Collection method: clinical testing. Allele origin: germline.
Comment: This sequence change replaces histidine, which is basic and polar, with tyrosine, which is neutral and polar, at codon 1743 of the POLE protein (p.His1743Tyr). This variant is not present in population databases (gnomAD no frequency). This variant has not been reported in the literature in individuals affected with POLE-related conditions. ClinVar contains an entry for this variant (Variation ID: 582610). Advanced modeling of protein sequence and biophysical properties (such as structural, functional, and spatial information, amino acid conservation, physicochemical variation, residue mobility, and thermodynamic stability) performed at Invitae indicates that this missense variant is not expected to disrupt POLE protein function. In summary, the available evidence is currently insufficient to determine the role of this variant in disease. Therefore, it has been classified as a Variant of Uncertain Significance.

Ambry Genetics
Classification: Uncertain significance for Hereditary cancer-predisposing syndrome. Last evaluated: 2022-09-26. Review status: criteria provided, single submitter. Criteria: Ambry Variant Classification Scheme 2023. Collection method: clinical testing. Allele origin: germline.
Comment: The p.H1743Y variant (also known as c.5227C>T), located in coding exon 39 of the POLE gene, results from a C to T substitution at nucleotide position 5227. The histidine at codon 1743 is replaced by tyrosine, an amino acid with similar properties. This amino acid position is conserved. In addition, this alteration is predicted to be tolerated by in silico analysis. Since supporting evidence is limited at this time, the clinical significance of this alteration remains unclear.

NM_006231.4(POLE):c.5227C>T (p.His1743Tyr)

Gene: POLE (DNA polymerase epsilon, catalytic subunit; minus strand). Cytogenetic location: 12q24.33.
Variant type: single nucleotide variant.
Coding change: c.5227C>T on transcript NM_006231.4 (MANE Select); coding-DNA position 5227, C replaced by T.
Protein change: p.His1743Tyr; replaces histidine 1743 with tyrosine.
Molecular consequence: missense variant.
Genome position (GRCh38, 1-based): chr12:132,641,798, G>A on the plus strand (C>T on the coding strand, the complement: POLE is on the minus strand). VCF-style: chr12-132641798-G-A. GRCh37 (hg19) VCF-style: chr12-133218384-G-A.
Other names: short protein forms H1743Y.
Identifiers: ClinVar variation 582610 (VCV000582610.11), dbSNP rs1565936182, ClinGen allele CA387376392.